The following is an entry in ClinVar:

ClinVar aggregate classification (germline): Pathogenic (1 of 4 stars; one submission).

Submission:

Labcorp Genetics (formerly Invitae), Labcorp
Classification: Pathogenic. Last evaluated: 2022-02-20. Review status: criteria provided, single submitter. Criteria: Invitae Variant Classification Sherloc (09022015). Collection method: clinical testing. Allele origin: germline.
Comment: For these reasons, this variant has been classified as Pathogenic. This variant has not been reported in the literature in individuals affected with CPLANE1-related conditions. This variant is not present in population databases (gnomAD no frequency). This sequence change creates a premature translational stop signal (p.Asp1027Trpfs*18) in the CPLANE1 gene. It is expected to result in an absent or disrupted protein product. Loss-of-function variants in CPLANE1 are known to be pathogenic (PMID: 24178751, 26092869).

Literature cited by the submitters: PubMed 24178751; PubMed 26092869.

NM_001384732.1(CPLANE1):c.3074_3077dup (p.Asp1027fs)

Gene: CPLANE1 (ciliogenesis and planar polarity effector complex subunit 1; minus strand). Cytogenetic location: 5p13.2.
Variant type: Duplication.
Coding change: c.3074_3077dup on transcript NM_001384732.1 (MANE Select); coding-DNA positions 3074 to 3077, 4 bases duplicated (TTGG; older notation c.3074_3077dupTTGG).
Protein change: p.Asp1027fs; shifts the reading frame from aspartic acid 1027.
Molecular consequence: frameshift variant.
Genome position (GRCh38, 1-based): chr5:37,206,269-37,206,272, CCAA duplicated on the plus strand (TTGG on the coding strand, the reverse complement: CPLANE1 is on the minus strand). VCF-style (leftmost placement, unchanged base first): chr5-37206268-T-TCCAA. GRCh37 (hg19) VCF-style: chr5-37206370-T-TCCAA.
Other names: c.3074_3077dup, p.Asp1027fs (NM_023073.4); short protein forms D1027fs.
Identifiers: ClinVar variation 1928979 (VCV001928979.5), dbSNP rs2548233735, ClinGen allele CA2580073317.